The following is an entry in ClinVar:

ClinVar aggregate classification (germline): Pathogenic (1 of 4 stars; one submission).

Conditions:
Charlevoix-Saguenay spastic ataxia (SACS). Also called: AUTOSOMAL RECESSIVE SPASTIC ATAXIA OF CHARLEVOIX-SAGUENAY; Spastic ataxia of Charlevoix-Saguenay; SPASTIC ATAXIA 6, AUTOSOMAL RECESSIVE. Identifiers: Orphanet 98, MedGen C1849140, MONDO:0010041, OMIM 270550.

Submission:

Women's Health and Genetics/Laboratory Corporation of America, LabCorp
Classification: Pathogenic for Charlevoix-Saguenay spastic ataxia. Last evaluated: 2025-07-15. Review status: criteria provided, single submitter. Criteria: LabCorp Variant Classification Summary - May 2015. Collection method: clinical testing. Allele origin: germline.
Comment: Variant summary: The variant involves the deletion of exons 1-10 in the SACS gene. A presumed nomenclature of c.(?_-590)_(*1307_?)del has been designated for the purposes of this classification. This deletion includes the entire coding sequence of the gene. As the exact proximal and distal breakpoints are unknown, it may extend beyond the annotated region of the gene to include other flanking genes. The variant was absent in 21694 control chromosomes. While there are numerous reports of multigenic deletions including SACS in individuals with clinical features of SACS-related conditions (example, PMID: 24180463), to our knowledge no occurrence of c.(?_-590)_(*1307_?)del in isolation has been reported in individuals affected with Charlevoix-Saguenay spastic ataxia. No submitters have cited clinical-significance assessments for this variant in isolation to ClinVar, however at least 1 other entry citing a multigenic event has been submitted (Variation ID: 652383). Based on the evidence outlined above, the variant was classified as pathogenic.

NC_000013.10:g.(?_23902968)_(24007842_?)del

Gene: SACS (sacsin molecular chaperone; minus strand). Cytogenetic location: 13q12.12.
Variant type: Deletion.
Identifiers: ClinVar variation 4525902 (VCV004525902.1).